The following is an entry in ClinVar:

NM_000535.7(PMS2):c.740C>T (p.Pro247Leu)

Gene: PMS2 (PMS1 homolog 2, mismatch repair system component; minus strand). Cytogenetic location: 7p22.1.
Variant type: single nucleotide variant.
Coding change: c.740C>T on transcript NM_000535.7 (MANE Select); coding-DNA position 740, C replaced by T.
Protein change: p.Pro247Leu; replaces proline 247 with leucine.
Molecular consequence: missense variant. On other transcripts: 5 prime UTR variant (2), non-coding transcript variant (1).
Genome position (GRCh38, 1-based): chr7:5,997,389, G>A on the plus strand (C>T on the coding strand, the complement: PMS2 is on the minus strand). VCF-style: chr7-5997389-G-A. GRCh37 (hg19) VCF-style: chr7-6037020-G-A.
Other names: c.335C>T, p.Pro112Leu (NM_001322003.2, NM_001322004.2, NM_001322005.2 and 20 more transcripts); c.740C>T, p.Pro247Leu (NM_001322006.2, NM_001322014.2, NM_001406870.1 and 3 more transcripts); c.422C>T, p.Pro141Leu (NM_001322007.2, NM_001322008.2, NM_001406876.1 and 4 more transcripts); c.-194C>T (NM_001322011.2, NM_001322012.2); c.167C>T, p.Pro56Leu (NM_001322013.2, NM_001406909.1); c.431C>T, p.Pro144Leu (NM_001322015.2, NM_001406875.1, NM_001406877.1 and 6 more transcripts); c.926C>T, p.Pro309Leu (NM_001406866.1); c.764C>T, p.Pro255Leu (NM_001406868.1); and 4 more; short protein forms P141L, P211L, P255L, P247L, P56L, P135L, P144L, P309L.
Identifiers: ClinVar variation 1758778 (VCV001758778.6), dbSNP rs1173245928, ClinGen allele CA366743733.
Genomic context (GRCh38, chr7:5,997,389, plus strand): 5'-AAAAGATTATGCAGAGCATCGGAACAGCTCAAACCGTACTCTTCACACACGGAGTCACTA[G>A]GGGGCAGCTGAACAAAAGGAATGAGGCTTTGCAACTGAAAAAAAAAAAAAAAAATTCACA-3'
Protein context (NP_000526.2, residues 237-257): QSLIPFVQLP[Pro247Leu]SDSVCEEYGL

ClinVar aggregate classification (germline): Uncertain significance. Review status: criteria provided, multiple submitters, no conflicts (2 of 4 stars). 4 submissions from 4 submitters: Uncertain significance (4). Last evaluated 2025-04-02.

Conditions:
Hereditary nonpolyposis colorectal neoplasms. Identifiers: MedGen C0009405, MeSH D003123.
Hereditary cancer-predisposing syndrome. Also called: Neoplastic Syndromes, Hereditary; Tumor predisposition; Hereditary Cancer Syndrome; Hereditary neoplastic syndrome. Identifiers: Orphanet 140162, MedGen C0027672, MeSH D009386, MONDO:0015356.
Lynch syndrome. Identifiers: Orphanet 144, MedGen C4552100, MONDO:0005835. Disease mechanism: loss of function.

Submissions (4):

Labcorp Genetics (formerly Invitae), Labcorp
Classification: Uncertain significance for Hereditary nonpolyposis colorectal neoplasms. Last evaluated: 2025-04-02. Review status: criteria provided, single submitter. Criteria: Invitae Variant Classification Sherloc (09022015). Collection method: clinical testing. Allele origin: germline.
Comment: This sequence change replaces proline, which is neutral and non-polar, with leucine, which is neutral and non-polar, at codon 247 of the PMS2 protein (p.Pro247Leu). This variant is not present in population databases (gnomAD no frequency). This variant has not been reported in the literature in individuals affected with PMS2-related conditions. ClinVar contains an entry for this variant (Variation ID: 1758778). Invitae Evidence Modeling incorporating data from in vitro experimental studies (internal data) indicates that this missense variant is not expected to disrupt PMS2 function with a negative predictive value of 95%. In summary, the available evidence is currently insufficient to determine the role of this variant in disease. Therefore, it has been classified as a Variant of Uncertain Significance.

Ambry Genetics
Classification: Uncertain significance for Hereditary cancer-predisposing syndrome. Last evaluated: 2024-10-28. Review status: criteria provided, single submitter. Criteria: Ambry Variant Classification Scheme 2023. Collection method: clinical testing. Allele origin: germline.
Comment: The p.P247L variant (also known as c.740C>T), located in coding exon 7 of the PMS2 gene, results from a C to T substitution at nucleotide position 740. The proline at codon 247 is replaced by leucine, an amino acid with similar properties. This amino acid position is highly conserved in available vertebrate species. In addition, this alteration is predicted to be deleterious by in silico analysis. Since supporting evidence is limited at this time, the clinical significance of this alteration remains unclear.

All of Us Research Program, National Institutes of Health
Classification: Uncertain significance for Lynch syndrome. Last evaluated: 2023-04-03. Review status: criteria provided, single submitter. Criteria: ACMG Guidelines, 2015. Collection method: clinical testing. Allele origin: germline. Inheritance: Autosomal dominant inheritance. Observed: 1 variant allele, 1 heterozygote.
Comment: This missense variant replaces proline with leucine at codon 247 of the PMS2 protein. Computational prediction suggests that this variant may have deleterious impact on protein structure and function (internally defined REVEL score threshold >= 0.7, PMID: 27666373). To our knowledge, functional studies have not been reported for this variant. This variant has not been reported in individuals affected with PMS2-related disorders in the literature. This variant has not been identified in the general population by the Genome Aggregation Database (gnomAD). The available evidence is insufficient to determine the role of this variant in disease conclusively. Therefore, this variant is classified as a Variant of Uncertain Significance.

This study involves interpretation of variants in research participants for the purpose of population health screening. Participant phenotype was not available at the time of variant classification. Additional details can be found in publication PMID: 35346344, PMCID: PMC8962531

GeneDx
Classification: Uncertain significance. Last evaluated: 2023-03-29. Review status: criteria provided, single submitter. Criteria: GeneDx Variant Classification Process June 2021. Collection method: clinical testing. Allele origin: germline. Affected: yes.
Comment: Not observed at significant frequency in large population cohorts (gnomAD); In silico analysis supports that this missense variant has a deleterious effect on protein structure/function; Has not been previously published as pathogenic or benign to our knowledge; This variant is associated with the following publications: (PMID: 11574484)